The following is an entry in ClinVar:

ClinVar aggregate classification (germline): Pathogenic/Likely pathogenic. Review status: criteria provided, multiple submitters, no conflicts (2 of 4 stars). 2 submissions from 2 submitters: Pathogenic (1); Likely pathogenic (1). Last evaluated 2024-07-24.

Conditions:
Mucopolysaccharidosis type 6 (MPS6). Also called: MPS 6; Maroteaux Lamy syndrome; MPS VI; ARSB DEFICIENCY; ARYLSULFATASE B DEFICIENCY; N-ACETYLGALACTOSAMINE-4-SULFATASE DEFICIENCY. Identifiers: Orphanet 583, MedGen C0026709, MONDO:0009661, OMIM 253200.

Allele frequency attached by ClinVar (database versions not stated): ExAC 0.00001; gnomAD 0.00001.

Submissions (2):

Labcorp Genetics (formerly Invitae), Labcorp
Classification: Pathogenic for Mucopolysaccharidosis type 6. Last evaluated: 2024-07-24. Review status: criteria provided, single submitter. Criteria: Invitae Variant Classification Sherloc (09022015). Collection method: clinical testing. Allele origin: germline.
Comment: This sequence change replaces leucine, which is neutral and non-polar, with proline, which is neutral and non-polar, at codon 82 of the ARSB protein (p.Leu82Pro). The frequency data for this variant in the population databases is considered unreliable, as metrics indicate poor data quality at this position in the gnomAD database. This missense change has been observed in individual(s) with mucopolysaccharidosis type VI (PMID: 30809705; Invitae). ClinVar contains an entry for this variant (Variation ID: 2169513). Advanced modeling of protein sequence and biophysical properties (such as structural, functional, and spatial information, amino acid conservation, physicochemical variation, residue mobility, and thermodynamic stability) performed at Invitae indicates that this missense variant is expected to disrupt ARSB protein function with a positive predictive value of 95%. This variant disrupts the p.Leu82 amino acid residue in ARSB. Other variant(s) that disrupt this residue have been determined to be pathogenic (PMID: 17643332, 18406185, 19259130). This suggests that this residue is clinically significant, and that variants that disrupt this residue are likely to be disease-causing. For these reasons, this variant has been classified as Pathogenic.

Women's Health and Genetics/Laboratory Corporation of America, LabCorp
Classification: Likely pathogenic for Mucopolysaccharidosis type 6. Last evaluated: 2024-01-11. Review status: criteria provided, single submitter. Criteria: LabCorp Variant Classification Summary - May 2015. Collection method: clinical testing. Allele origin: germline.
Comment: Variant summary: ARSB c.245T>C (p.Leu82Pro) results in a non-conservative amino acid change in the encoded protein sequence. Five of five in-silico tools predict a damaging effect of the variant on protein function. The variant allele was found at a frequency of 5.7e-06 in 176368 control chromosomes (gnomAD). c.245T>C has been reported in the literature in individuals affected with Mucopolysaccharidosis Type VI (Maroteaux-Lamy Syndrome) (examples: Zanetti_2019, Chuang_2022, Sestito_2022). These data indicate that the variant may be associated with disease. A different variant affecting this residue has been classified Pathogenic in ClinVar (CV ID 445290). To our knowledge, no experimental evidence demonstrating an impact on protein function has been reported. The following publications have been ascertained in the context of this evaluation (PMID: 34573925, 35768874, 30809705). ClinVar contains an entry for this variant (Variation ID: 2169513). Based on the evidence outlined above, the variant was classified as likely pathogenic.

Literature cited by the submitters: PubMed 30809705 (cited by Labcorp Genetics (formerly Invitae), Labcorp and Women's Health and Genetics/Laboratory Corporation of America, LabCorp); PubMed 17643332 (cited by Labcorp Genetics (formerly Invitae), Labcorp); PubMed 18406185 (cited by Labcorp Genetics (formerly Invitae), Labcorp); PubMed 19259130 (cited by Labcorp Genetics (formerly Invitae), Labcorp); PubMed 34573925 (cited by Women's Health and Genetics/Laboratory Corporation of America, LabCorp); PubMed 35768874 (cited by Women's Health and Genetics/Laboratory Corporation of America, LabCorp).

NM_000046.5(ARSB):c.245T>C (p.Leu82Pro)

Genes: ARSB (arylsulfatase B; minus strand), LOC129994126 (ATAC-STARR-seq lymphoblastoid silent region 16127; plus strand). Cytogenetic location: 5q14.1.
Variant type: single nucleotide variant.
Coding change: c.245T>C on transcript NM_000046.5 (MANE Select); coding-DNA position 245, T replaced by C.
Protein change: p.Leu82Pro; replaces leucine 82 with proline.
Molecular consequence: missense variant.
Genome position (GRCh38, 1-based): chr5:78,985,004, A>G on the plus strand (T>C on the coding strand, the complement: ARSB is on the minus strand). VCF-style: chr5-78985004-A-G. GRCh37 (hg19) VCF-style: chr5-78280827-A-G.
Other names: c.245T>C, p.Leu82Pro (NM_198709.3); short protein forms L82P.
Identifiers: ClinVar variation 2169513 (VCV002169513.6), dbSNP rs749465732, ClinGen allele CA3318325.